The following is an entry in ClinVar:

NM_019032.6(ADAMTSL4):c.920G>A (p.Arg307Gln)

Genes: ADAMTSL4 (ADAMTS like 4; plus strand), ADAMTSL4-AS2 (ADAMTSL4 antisense RNA 2; minus strand). Cytogenetic location: 1q21.2.
Variant type: single nucleotide variant.
Coding change: c.920G>A on transcript NM_019032.6 (MANE Select); coding-DNA position 920, G replaced by A.
Protein change: p.Arg307Gln; replaces arginine 307 with glutamine.
Molecular consequence: missense variant.
Genome position (GRCh38, 1-based): chr1:150,553,911, G>A. VCF-style: chr1-150553911-G-A. GRCh37 (hg19) VCF-style: chr1-150526387-G-A.
Other names: c.920G>A, p.Arg307Gln (NM_001288607.2, NM_001288608.2, NM_001378596.1 and 1 more transcripts); short protein forms R307Q.
Identifiers: ClinVar variation 292523 (VCV000292523.16), dbSNP rs142705142, ClinGen allele CA1078070.

ClinVar aggregate classification (germline): Benign. Review status: criteria provided, multiple submitters, no conflicts (2 of 4 stars). 5 submissions from 4 submitters: Benign (4). 1 of the submissions does not count toward it. Last evaluated 2026-02-02.

Conditions:
ADAMTSL4-related disorder. Also called: ADAMTSL4-Related Disorders; ADAMTSL4-related condition.
Ectopia lentis et pupillae. Also called: ECTOPIA LENTIS WITH ECTOPIA OF PUPIL. Identifiers: Orphanet 1885, MedGen C1644196, MONDO:0009153, OMIM 225200.
Ectopia lentis 2, isolated, autosomal recessive (ECTOL2). Identifiers: Orphanet 1885, MedGen C3541474, MONDO:0009152, OMIM 225100.

Allele frequency attached by ClinVar (database versions not stated): TOPMed 0.00061; ESP Exome Variant Server 0.00062; gnomAD 0.00070 and 0.00095; gnomAD exomes 0.00089 and 0.00209; ExAC 0.00250; 1000 Genomes Project 0.00399; 1000 Genomes Project 30x 0.00437.
gnomAD v4.1: 1,434 of 1,612,288 alleles (0.089%); highest among the groups gnomAD compares: South Asian, 1.3%; 27 homozygotes.

Submissions (5):

Labcorp Genetics (formerly Invitae), Labcorp
Classification: Benign. Last evaluated: 2026-02-02. Review status: criteria provided, single submitter. Criteria: Invitae Variant Classification Sherloc (09022015). Collection method: clinical testing. Allele origin: germline.

Genome-Nilou Lab
Classification: Benign for Ectopia lentis et pupillae. Last evaluated: 2023-04-11. Review status: criteria provided, single submitter. Criteria: ACMG Guidelines, 2015. Collection method: clinical testing. Allele origin: germline. Affected: no.

Genome-Nilou Lab
Classification: Benign for Ectopia lentis 2, isolated, autosomal recessive. Last evaluated: 2023-04-11. Review status: criteria provided, single submitter. Criteria: ACMG Guidelines, 2015. Collection method: clinical testing. Allele origin: germline. Affected: no.

Illumina Laboratory Services, Illumina
Classification: Benign for Ectopia lentis 2, isolated, autosomal recessive. Last evaluated: 2018-01-12. Review status: criteria provided, single submitter. Criteria: ICSL Variant Classification Criteria 13 December 2019. Collection method: clinical testing. Allele origin: germline.
Comment: This variant was observed in the ICSL laboratory as part of a predisposition screen in an ostensibly healthy population. It had not been previously curated by ICSL or reported in the Human Gene Mutation Database (HGMD: prior to June 1st, 2018), and was therefore a candidate for classification through an automated scoring system. Utilizing variant allele frequency, disease prevalence and penetrance estimates, and inheritance mode, an automated score was calculated to assess if this variant is too frequent to cause the disease. Based on the score and internal cut-off values, a variant classified as benign is not then subjected to further curation. The score for this variant resulted in a classification of benign for this disease.

PreventionGenetics, part of Exact Sciences
Classification: Benign for ADAMTSL4-related condition. Last evaluated: 2024-03-15. Review status: no assertion criteria provided. Collection method: clinical testing. Allele origin: germline. Not counted in ClinVar's aggregate classification.
Comment: This variant is classified as benign based on ACMG/AMP sequence variant interpretation guidelines (Richards et al. 2015 PMID: 25741868, with internal and published modifications).